The following is an entry in ClinVar:

NM_001458.5(FLNC):c.31G>T (p.Gly11Cys)

Gene: FLNC (filamin C; plus strand). Cytogenetic location: 7q32.1.
Variant type: single nucleotide variant.
Coding change: c.31G>T on transcript NM_001458.5 (MANE Select); coding-DNA position 31, G replaced by T.
Protein change: p.Gly11Cys; replaces glycine 11 with cysteine.
Molecular consequence: missense variant.
Genome position (GRCh38, 1-based): chr7:128,830,668, G>T. VCF-style: chr7-128830668-G-T. GRCh37 (hg19) VCF-style: chr7-128470722-G-T.
Other names: c.31G>T, p.Gly11Cys (NM_001127487.2); short protein forms G11C.
Identifiers: ClinVar variation 858530 (VCV000858530.12), dbSNP rs370512642, ClinGen allele CA166206962.

ClinVar aggregate classification (germline): Uncertain significance. Review status: criteria provided, multiple submitters, no conflicts (2 of 4 stars). 2 submissions from 2 submitters: Uncertain significance (2). Last evaluated 2026-02-01.

Conditions:
Cardiovascular phenotype. Identifiers: MedGen CN230736.
Distal myopathy with posterior leg and anterior hand involvement. Also called: WILLIAMS DISTAL MYOPATHY. Identifiers: Orphanet 63273, MedGen C3279722, MONDO:0013550, OMIM 614065.
Hypertrophic cardiomyopathy 26. Also called: Cardiomyopathy, familial hypertrophic, 26. Identifiers: Orphanet 75249, MedGen C4310749, MONDO:0014883, OMIM 617047.
Myofibrillar myopathy 5. Also called: Filaminopathy (type); FILAMINOPATHY, AUTOSOMAL DOMINANT. Identifiers: Orphanet 171445, MedGen C1836050, MONDO:0012289, OMIM 609524.

gnomAD v4.1: 2 of 1,612,436 alleles (0.00012%); highest among the groups gnomAD compares: African/African-American, 0.0027%; no homozygotes.

Submissions (2):

Labcorp Genetics (formerly Invitae), Labcorp
Classification: Uncertain significance for Distal myopathy with posterior leg and anterior hand involvement; Myofibrillar myopathy 5; Hypertrophic cardiomyopathy 26. Last evaluated: 2026-02-01. Review status: criteria provided, single submitter. Criteria: Invitae Variant Classification Sherloc (09022015). Collection method: clinical testing. Allele origin: germline.
Comment: This sequence change replaces glycine, which is neutral and non-polar, with cysteine, which is neutral and slightly polar, at codon 11 of the FLNC protein (p.Gly11Cys). This variant is not present in population databases (gnomAD no frequency). This variant has not been reported in the literature in individuals affected with FLNC-related conditions. ClinVar contains an entry for this variant (Variation ID: 858530). An algorithm developed to predict the effect of missense changes on protein structure and function (PolyPhen-2) suggests that this variant is likely to be tolerated. In summary, the available evidence is currently insufficient to determine the role of this variant in disease. Therefore, it has been classified as a Variant of Uncertain Significance.

Ambry Genetics
Classification: Uncertain significance for Cardiovascular phenotype. Last evaluated: 2024-02-18. Review status: criteria provided, single submitter. Criteria: Ambry Variant Classification Scheme 2023. Collection method: clinical testing. Allele origin: germline.
Comment: The p.G11C variant (also known as c.31G>T), located in coding exon 1 of the FLNC gene, results from a G to T substitution at nucleotide position 31. The glycine at codon 11 is replaced by cysteine, an amino acid with highly dissimilar properties. This amino acid position is not well conserved in available vertebrate species. In addition, the in silico prediction for this alteration is inconclusive. Since supporting evidence is limited at this time, the clinical significance of this alteration remains unclear.